The following is an entry in ClinVar:

ClinVar aggregate classification (germline): Uncertain significance. Review status: criteria provided, multiple submitters, no conflicts (2 of 4 stars). 3 submissions from 3 submitters: Uncertain significance (2). 1 of the submissions does not count toward it. Last evaluated 2024-05-19.

Conditions:
A2ML1-related disorder. Also called: A2ML1-related condition.
Nonsyndromic otitis media. Identifiers: MedGen CN233179.

Allele frequency attached by ClinVar (database versions not stated): 1000 Genomes Project 30x 0.00016; 1000 Genomes Project 0.00020; gnomAD exomes below 0.00001; ExAC 0.00001; gnomAD 0.00001; TOPMed 0.00002.
gnomAD v4.1: 7 of 1,613,956 alleles (0.00043%); highest among the groups gnomAD compares: East Asian, 0.0022%; no homozygotes.

Submissions (3):

Labcorp Genetics (formerly Invitae), Labcorp
Classification: Uncertain significance. Last evaluated: 2024-05-19. Review status: criteria provided, single submitter. Criteria: Invitae Variant Classification Sherloc (09022015). Collection method: clinical testing. Allele origin: germline.
Comment: This sequence change replaces arginine, which is basic and polar, with tryptophan, which is neutral and slightly polar, at codon 1001 of the A2ML1 protein (p.Arg1001Trp). This variant is present in population databases (rs201725377, gnomAD 0.007%). This variant has not been reported in the literature in individuals affected with A2ML1-related conditions. ClinVar contains an entry for this variant (Variation ID: 217312). An algorithm developed to predict the effect of missense changes on protein structure and function (PolyPhen-2) suggests that this variant is likely to be disruptive. In summary, the available evidence is currently insufficient to determine the role of this variant in disease. Therefore, it has been classified as a Variant of Uncertain Significance.

PreventionGenetics, part of Exact Sciences
Classification: Uncertain significance for A2ML1-related condition. Last evaluated: 2023-08-03. Review status: criteria provided, single submitter. Criteria: ACMG Guidelines, 2015. Collection method: clinical testing. Allele origin: germline.
Comment: The A2ML1 c.3001C>T variant is predicted to result in the amino acid substitution p.Arg1001Trp. This variant was reported in an individual with otitis media, although pathogenicity was not established (Santos-Cortez. 2015. PubMed ID: 26121085). This variant is reported in 0.0065% of alleles in individuals of African descent in gnomAD. At this time, the clinical significance of this variant is uncertain due to the absence of conclusive functional and genetic evidence.

Department of Molecular and Human Genetics, Baylor College of Medicine
Classification: Uncertain significance for Nonsyndromic otitis media. Last evaluated: 2014-05-28. Review status: no assertion criteria provided. Collection method: research. Allele origin: germline. Affected: yes. Not counted in ClinVar's aggregate classification.

Literature cited by the submitters: PubMed 26121085 (cited by Department of Molecular and Human Genetics, Baylor College of Medicine); PubMed 24824130 (cited by Department of Molecular and Human Genetics, Baylor College of Medicine).

NM_144670.6(A2ML1):c.3001C>T (p.Arg1001Trp)

Gene: A2ML1 (alpha-2-macroglobulin like 1; plus strand). Cytogenetic location: 12p13.31.
Variant type: single nucleotide variant.
Coding change: c.3001C>T on transcript NM_144670.6 (MANE Select); coding-DNA position 3001, C replaced by T.
Protein change: p.Arg1001Trp; replaces arginine 1001 with tryptophan.
Molecular consequence: missense variant.
Genome position (GRCh38, 1-based): chr12:8,857,316, C>T. VCF-style: chr12-8857316-C-T. GRCh37 (hg19) VCF-style: chr12-9009912-C-T.
Other names: c.3001C>T (NM_144670.5); c.1528C>T, p.Arg510Trp (NM_001282424.3); short protein forms R1001W, R510W.
Identifiers: ClinVar variation 217312 (VCV000217312.4), dbSNP rs201725377, ClinGen allele CA214813.